The following is an entry in ClinVar:

ClinVar aggregate classification (germline): Pathogenic (1 of 4 stars; one submission).

Allele frequency attached by ClinVar (database versions not stated): gnomAD exomes below 0.00001.

Submission:

Labcorp Genetics (formerly Invitae), Labcorp
Classification: Pathogenic. Last evaluated: 2023-06-24. Review status: criteria provided, single submitter. Criteria: Invitae Variant Classification Sherloc (09022015). Collection method: clinical testing. Allele origin: germline.
Comment: This sequence change creates a premature translational stop signal (p.Glu216Argfs*7) in the CPOX gene. It is expected to result in an absent or disrupted protein product. Loss-of-function variants in CPOX are known to be pathogenic (PMID: 9888388). This variant is not present in population databases (gnomAD no frequency). This variant has not been reported in the literature in individuals affected with CPOX-related conditions. For these reasons, this variant has been classified as Pathogenic.

Literature cited by the submitters: PubMed 9888388.

NM_000097.7(CPOX):c.645del (p.Glu216fs)

Gene: CPOX (coproporphyrinogen oxidase; minus strand). Cytogenetic location: 3q11.2.
Variant type: Deletion.
Coding change: c.645del on transcript NM_000097.7 (MANE Select); coding-DNA position 645, one base deleted (A; older notation c.645delA).
Protein change: p.Glu216fs; shifts the reading frame from glutamic acid 216.
Molecular consequence: frameshift variant.
Genome position (GRCh38, 1-based): chr3:98,591,067, T deleted on the plus strand (A on the coding strand, the reverse complement: CPOX is on the minus strand). VCF-style (leftmost placement, unchanged base first): chr3-98591066-CT-C. GRCh37 (hg19) VCF-style: chr3-98309910-CT-C.
Other names: short protein forms E216fs.
Identifiers: ClinVar variation 2867487 (VCV002867487.3), dbSNP rs2472116620, ClinGen allele CA2666707642.